The following is an entry in ClinVar:

NM_001042492.3(NF1):c.655-2A>G

Gene: NF1 (neurofibromin 1; plus strand). Cytogenetic location: 17q11.2.
Variant type: single nucleotide variant.
Coding change: c.655-2A>G on transcript NM_001042492.3 (MANE Select); the canonical splice acceptor site of the intron before coding-DNA position 655, A replaced by G.
Molecular consequence: splice acceptor variant.
Genome position (GRCh38, 1-based): chr17:31,181,708, A>G. VCF-style: chr17-31181708-A-G. GRCh37 (hg19) VCF-style: chr17-29508726-A-G.
Other names: c.655-2A>G (NM_000267.4, NM_001128147.3).
Identifiers: ClinVar variation 948962 (VCV000948962.10), dbSNP rs1555608734, ClinGen allele CA398989593.

ClinVar aggregate classification (germline): Pathogenic/Likely pathogenic. Review status: criteria provided, multiple submitters, no conflicts (2 of 4 stars). 3 submissions from 3 submitters: Pathogenic (2); Likely pathogenic (1). Last evaluated 2026-07-31.

Conditions:
Cardiovascular phenotype. Identifiers: MedGen CN230736.
Hereditary cancer-predisposing syndrome. Also called: Tumor predisposition; Hereditary neoplastic syndrome; Neoplastic Syndromes, Hereditary; Hereditary Cancer Syndrome. Identifiers: Orphanet 140162, MedGen C0027672, MeSH D009386, MONDO:0015356.
Neurofibromatosis, type 1 (NF1). Also called: NEUROFIBROMATOSIS, TYPE I, SOMATIC; Peripheral type neurofibromatosis; VON RECKLINGHAUSEN DISEASE; Neurofibromatosis, type I. Identifiers: Orphanet 636, MedGen C0027831, MONDO:0018975, OMIM 162200. Disease mechanism: loss of function.

Submissions (3):

Myriad Genetics, Inc.
Classification: Pathogenic for Neurofibromatosis, type 1. Last evaluated: 2026-07-31. Review status: criteria provided, single submitter. Criteria: Myriad Autosomal Dominant, Autosomal Recessive and X-Linked Classification Criteria (2023). Collection method: clinical testing. Allele origin: unknown.
Comment: This variant is considered pathogenic. This variant occurs within a consensus splice junction and is predicted to result in abnormal mRNA splicing of either an out-of-frame exon or an in-frame exon necessary for protein stability and/or normal function. This variant has been reported in multiple individuals with clinical features of gene-specific disease [PMID: 27074763, 33877690, 36061378, 8957181]. Functional studies indicate this variant impacts protein function [PMID: 27074763, 8957181].

Ambry Genetics
Classification: Likely pathogenic for Cardiovascular phenotype; Hereditary cancer-predisposing syndrome. Last evaluated: 2025-05-27. Review status: criteria provided, single submitter. Criteria: Ambry Variant Classification Scheme 2023. Collection method: clinical testing. Allele origin: germline.
Comment: The c.655-2A>G intronic variant results from an A to G substitution two nucleotides upstream from coding exon 7 in the NF1 gene. This alteration has been observed in at least one individual with a personal and/or family history that is consistent with NF1-related disease (Ambry internal data; Jang MA et al. J Hum Genet, 2016 Aug;61:705-9). RNA studies have demonstrated that this alteration results in abnormal splicing in the set of samples tested (Ambry internal data; Jang MA et al. J Hum Genet, 2016 Aug;61:705-9). This nucleotide position is highly conserved in available vertebrate species. In silico splice site analysis predicts that this alteration will weaken the native splice acceptor site. This variant is considered to be rare based on population cohorts in the Genome Aggregation Database (gnomAD). Based on the majority of available evidence to date, this variant is likely to be pathogenic.

Labcorp Genetics (formerly Invitae), Labcorp
Classification: Pathogenic for Neurofibromatosis, type 1. Last evaluated: 2024-10-30. Review status: criteria provided, single submitter. Criteria: Invitae Variant Classification Sherloc (09022015). Collection method: clinical testing. Allele origin: germline.
Comment: This sequence change affects an acceptor splice site in intron 6 of the NF1 gene. It is expected to disrupt RNA splicing. Variants that disrupt the donor or acceptor splice site typically lead to a loss of protein function (PMID: 16199547), and loss-of-function variants in NF1 are known to be pathogenic (PMID: 10712197, 23913538). This variant is not present in population databases (gnomAD no frequency). Disruption of this splice site has been observed in individual(s) with neurofibromatosis, type 1 (PMID: 27074763; internal data). In at least one individual the variant was observed to be de novo. ClinVar contains an entry for this variant (Variation ID: 948962). Algorithms developed to predict the effect of sequence changes on RNA splicing suggest that this variant may disrupt the consensus splice site. For these reasons, this variant has been classified as Pathogenic.

Literature cited by the submitters: PubMed 27074763 (cited by 3 submitters); PubMed 33877690 (cited by Myriad Genetics, Inc.); PubMed 36061378 (cited by Myriad Genetics, Inc.); PubMed 8957181 (cited by Myriad Genetics, Inc.); PubMed 16199547 (cited by Labcorp Genetics (formerly Invitae), Labcorp); PubMed 10712197 (cited by Labcorp Genetics (formerly Invitae), Labcorp); PubMed 23913538 (cited by Labcorp Genetics (formerly Invitae), Labcorp).